The following is an entry in ClinVar:

ClinVar aggregate classification (germline): Likely benign (0 of 4 stars; one submission).

Conditions:
HERC2-related disorder. Also called: HERC2-related condition.

Submissions (2):

PreventionGenetics, part of Exact Sciences
Classification: Likely benign for HERC2-related condition. Last evaluated: 2019-04-24. Review status: no assertion criteria provided. Collection method: clinical testing. Allele origin: germline.
Comment: This variant is classified as likely benign based on ACMG/AMP sequence variant interpretation guidelines (Richards et al. 2015 PMID: 25741868, with internal and published modifications).

Dr. Peter K. Rogan Lab, Western University
No classification provided (evidence only). Condition: Melanoma. Review status: no classification provided. Collection method: in vitro. Allele origin: not applicable. Functional consequence: retained intron. Not counted in ClinVar's aggregate classification.

NM_004667.6(HERC2):c.2571G>T (p.Leu857=)

Gene: HERC2 (HECT and RLD domain containing E3 ubiquitin protein ligase 2; minus strand). Cytogenetic location: 15q13.1.
Variant type: single nucleotide variant.
Coding change: c.2571G>T on transcript NM_004667.6 (MANE Select); coding-DNA position 2571, G replaced by T.
Protein change: p.Leu857=; no amino-acid change (leucine 857 retained).
Molecular consequence: synonymous variant.
Genome position (GRCh38, 1-based): chr15:28,256,264, C>A on the plus strand (G>T on the coding strand, the complement: HERC2 is on the minus strand). VCF-style: chr15-28256264-C-A. GRCh37 (hg19) VCF-style: chr15-28501410-C-A.
Other names: NC_000015.9:g.28501410C>A.
Identifiers: ClinVar variation 3046944 (VCV003046944.3), dbSNP rs1302513384, ClinGen allele CA488965440.